The following is an entry in ClinVar:

NM_000834.5(GRIN2B):c.992A>C (p.Gln331Pro)

Gene: GRIN2B (glutamate ionotropic receptor NMDA type subunit 2B; minus strand). Cytogenetic location: 12p13.1.
Variant type: single nucleotide variant.
Coding change: c.992A>C on transcript NM_000834.5 (MANE Select); coding-DNA position 992, A replaced by C.
Protein change: p.Gln331Pro; replaces glutamine 331 with proline.
Molecular consequence: missense variant.
Genome position (GRCh38, 1-based): chr12:13,753,335, T>G on the plus strand (A>C on the coding strand, the complement: GRIN2B is on the minus strand). VCF-style: chr12-13753335-T-G. GRCh37 (hg19) VCF-style: chr12-13906269-T-G.
Other names: c.992A>C, p.Gln331Pro (NM_001413992.1, NM_001413993.1, NM_001413994.1 and 1 more transcripts); short protein forms Q331P.
Identifiers: ClinVar variation 1909757 (VCV001909757.6), dbSNP rs1555132930, ClinGen allele CA6461346.

ClinVar aggregate classification (germline): Uncertain significance. Review status: criteria provided, multiple submitters, no conflicts (2 of 4 stars). 2 submissions from 2 submitters: Uncertain significance (2). Last evaluated 2025-03-17.

Conditions:
Inborn genetic diseases. Identifiers: MedGen C0950123, MeSH D030342.
Developmental and epileptic encephalopathy, 27 (DEE27). Also called: GRIN2B-Related Neurodevelopmental Disorder; Epileptic encephalopathy, early infantile, 27. Identifiers: Orphanet 3451, MedGen C4015316, MONDO:0014505, OMIM 616139.
Intellectual developmental disorder, autosomal dominant 6, with or without seizures. Also called: Intellectual disability, autosomal dominant 6; GRIN2B-related developmental delay, intellectual disability and autism spectrum disorder. Identifiers: Orphanet 589547, MedGen C3151411, MONDO:0013509, OMIM 613970.

Allele frequency attached by ClinVar (database versions not stated): ExAC 0.00001.

Submissions (2):

Labcorp Genetics (formerly Invitae), Labcorp
Classification: Uncertain significance for Developmental and epileptic encephalopathy, 27; Intellectual developmental disorder, autosomal dominant 6, with or without seizures. Last evaluated: 2025-03-17. Review status: criteria provided, single submitter. Criteria: Invitae Variant Classification Sherloc (09022015). Collection method: clinical testing. Allele origin: germline.
Comment: This sequence change replaces glutamine, which is neutral and polar, with proline, which is neutral and non-polar, at codon 331 of the GRIN2B protein (p.Gln331Pro). This variant is present in population databases (no rsID available, gnomAD 0.003%). This variant has not been reported in the literature in individuals affected with GRIN2B-related conditions. ClinVar contains an entry for this variant (Variation ID: 1909757). Invitae Evidence Modeling of protein sequence and biophysical properties (such as structural, functional, and spatial information, amino acid conservation, physicochemical variation, residue mobility, and thermodynamic stability) indicates that this missense variant is not expected to disrupt GRIN2B protein function with a negative predictive value of 95%. In summary, the available evidence is currently insufficient to determine the role of this variant in disease. Therefore, it has been classified as a Variant of Uncertain Significance.

Ambry Genetics
Classification: Uncertain significance for Inborn genetic diseases. Last evaluated: 2022-05-26. Review status: criteria provided, single submitter. Criteria: Ambry Variant Classification Scheme 2023. Collection method: clinical testing. Allele origin: germline.